The following is an entry in ClinVar:

ClinVar aggregate classification (germline): Uncertain significance (1 of 4 stars; one submission).

Conditions:
Neuronopathy, distal hereditary motor, type 2C. Also called: HMN IIC; NEUROPATHY, DISTAL HEREDITARY MOTOR, AUTOSOMAL DOMINANT 4; NEURONOPATHY, DISTAL HEREDITARY MOTOR, HARDING TYPE IIC; NEUROPATHY, DISTAL HEREDITARY MOTOR, HARDING TYPE IIC. Identifiers: Orphanet 139525, MedGen C3150619, MONDO:0013243, OMIM 613376.

Allele frequency attached by ClinVar (database versions not stated): ExAC 0.00001; gnomAD exomes 0.00001.
gnomAD v4.1: 16 of 1,614,172 alleles (0.00099%); highest among the groups gnomAD compares: Admixed American, 0.0033%; 1 homozygote.

Submission:

Labcorp Genetics (formerly Invitae), Labcorp
Classification: Uncertain significance for Neuronopathy, distal hereditary motor, type 2C. Last evaluated: 2021-04-23. Review status: criteria provided, single submitter. Criteria: Invitae Variant Classification Sherloc (09022015). Collection method: clinical testing. Allele origin: germline.
Comment: Algorithms developed to predict the effect of missense changes on protein structure and function (SIFT, PolyPhen-2, Align-GVGD) all suggest that this variant is likely to be disruptive, but these predictions have not been confirmed by published functional studies and their clinical significance is uncertain. In summary, the available evidence is currently insufficient to determine the role of this variant in disease. Therefore, it has been classified as a Variant of Uncertain Significance. This variant has not been reported in the literature in individuals with HSPB3-related conditions. This variant is present in population databases (rs369890201, ExAC 0.01%). This sequence change replaces glycine with serine at codon 108 of the HSPB3 protein (p.Gly108Ser). The glycine residue is highly conserved and there is a small physicochemical difference between glycine and serine.

NM_006308.3(HSPB3):c.322G>A (p.Gly108Ser)

Gene: HSPB3 (heat shock protein family B (small) member 3; plus strand). Cytogenetic location: 5q11.2.
Variant type: single nucleotide variant.
Coding change: c.322G>A on transcript NM_006308.3 (MANE Select); coding-DNA position 322, G replaced by A.
Protein change: p.Gly108Ser; replaces glycine 108 with serine.
Molecular consequence: missense variant.
Genome position (GRCh38, 1-based): chr5:54,456,111, G>A. VCF-style: chr5-54456111-G-A. GRCh37 (hg19) VCF-style: chr5-53751941-G-A.
Other names: short protein forms G108S.
Identifiers: ClinVar variation 1508343 (VCV001508343.8), dbSNP rs369890201, ClinGen allele CA3264662.